The following is an entry in ClinVar:

ClinVar aggregate classification (germline): Likely benign (1 of 4 stars; one submission).

Conditions:
DST-related disorder. Also called: DST-related condition; DST-related disorders.

Submission:

PreventionGenetics, part of Exact Sciences
Classification: Likely benign for DST-related condition. Last evaluated: 2026-07-15. Review status: criteria provided, single submitter. Criteria: ACMG Guidelines, 2015. Collection method: clinical testing. Allele origin: germline.
Comment: This variant is classified as likely benign based on ACMG/AMP sequence variant interpretation guidelines (Richards et al. 2015 PMID: 25741868, with internal and published modifications).

NM_001374736.1(DST):c.15957G>A (p.Gln5319=)

Gene: DST (dystonin; minus strand). Cytogenetic location: 6p12.1.
Variant type: single nucleotide variant.
Coding change: c.15957G>A on transcript NM_001374736.1 (MANE Select); coding-DNA position 15957, G replaced by A.
Protein change: p.Gln5319=; no amino-acid change (glutamine 5319 retained).
Molecular consequence: synonymous variant.
Genome position (GRCh38, 1-based): chr6:56,552,835, C>T on the plus strand (G>A on the coding strand, the complement: DST is on the minus strand). VCF-style: chr6-56552835-C-T. GRCh37 (hg19) VCF-style: chr6-56417633-C-T.
Other names: c.9600G>A, p.Gln3200= (NM_001144769.5); c.9186G>A, p.Gln3062= (NM_001144770.2); c.15957G>A, p.Gln5319= (NM_001374722.1); c.15324G>A, p.Gln5108= (NM_001374729.1); c.9066G>A, p.Gln3022= (NM_001374730.1, NM_001386100.1, NM_183380.4); c.15984G>A, p.Gln5328= (NM_001374734.1); c.8088G>A, p.Gln2696= (NM_015548.5).
Identifiers: ClinVar variation 4994150 (VCV004994150.1).